The following is an entry in ClinVar:

NM_003482.4(KMT2D):c.9961C>T (p.Arg3321Ter)

Gene: KMT2D (lysine methyltransferase 2D; minus strand). Cytogenetic location: 12q13.12.
Variant type: single nucleotide variant.
Coding change: c.9961C>T on transcript NM_003482.4 (MANE Select); coding-DNA position 9961, C replaced by T.
Protein change: p.Arg3321Ter; replaces arginine 3321 with a stop codon.
Molecular consequence: nonsense.
Genome position (GRCh38, 1-based): chr12:49,037,395, G>A on the plus strand (C>T on the coding strand, the complement: KMT2D is on the minus strand). VCF-style: chr12-49037395-G-A. GRCh37 (hg19) VCF-style: chr12-49431178-G-A.
Other names: short protein forms R3321*.
Identifiers: ClinVar variation 183371 (VCV000183371.10), dbSNP rs793888512, ClinGen allele CA274862.

ClinVar aggregate classification (germline): Pathogenic. Review status: criteria provided, multiple submitters, no conflicts (2 of 4 stars). 5 submissions from 5 submitters: Pathogenic (3). 2 of the submissions do not count toward it. Last evaluated 2024-08-08.

Conditions:
KMT2D-related disorder. Also called: KMT2D-Related Disorders.
Kabuki syndrome. Also called: NIIKAWA-KUROKI SYNDROME; Kabuki make-up syndrome. Identifiers: Orphanet 2322, MedGen C0796004, MONDO:0016512.
Kabuki syndrome 1 (KABUK1). Also called: KMT2D-Related Kabuki Syndrome. Identifiers: Orphanet 2322, MedGen CN030661, MONDO:0007843, OMIM 147920.

Allele frequency attached by ClinVar (database versions not stated): gnomAD exomes below 0.00001.

Submissions (5):

3billion
Classification: Pathogenic for Kabuki syndrome 1. Last evaluated: 2024-08-08. Review status: criteria provided, single submitter. Criteria: ACMG Guidelines, 2015. Collection method: clinical testing. Allele origin: germline. Affected: yes.
Comment: The variant is not observed in the gnomAD v4.0.0 dataset. Predicted Consequence/Location: Stop-gained (nonsense): predicted to result in a loss or disruption of normal protein function through nonsense-mediated decay (NMD) or protein truncation. Multiple pathogenic variants are reported downstream of the variant. The variant has been reported at least twice as pathogenic without evidence for the classification (ClinVar ID: VCV000183371 /PMID: 20711175). Therefore, this variant is classified as Pathogenic according to the recommendation of ACMG/AMP guideline.

Labcorp Genetics (formerly Invitae), Labcorp
Classification: Pathogenic for Kabuki syndrome. Last evaluated: 2024-05-27. Review status: criteria provided, single submitter. Criteria: Invitae Variant Classification Sherloc (09022015). Collection method: clinical testing. Allele origin: germline.
Comment: This sequence change creates a premature translational stop signal (p.Arg3321*) in the KMT2D gene. It is expected to result in an absent or disrupted protein product. Loss-of-function variants in KMT2D are known to be pathogenic (PMID: 22126750). The frequency data for this variant in the population databases is considered unreliable, as metrics indicate poor data quality at this position in the gnomAD database. This premature translational stop signal has been observed in individuals with Kabuki syndrome (PMID: 20711175, 25972376). ClinVar contains an entry for this variant (Variation ID: 183371). For these reasons, this variant has been classified as Pathogenic.

Blueprint Genetics
Classification: Pathogenic for KMT2D-related disorders. Last evaluated: 2019-06-13. Review status: criteria provided, single submitter. Criteria: ACMG Guidelines, 2015. Collection method: clinical testing. Allele origin: germline. Affected: yes. Observed: 1 variant allele.

Autoinflammatory diseases unit, CHU de Montpellier
Classification: Pathogenic for Kabuki syndrome 1. Last evaluated: 2017-09-01. Review status: no assertion criteria provided. Collection method: clinical testing. Allele origin: de novo. Affected: yes. Not counted in ClinVar's aggregate classification.

Shaikh Laboratory, University of Colorado
Classification: Likely pathogenic for Kabuki make-up syndrome. Last evaluated: 2015-02-04. Review status: no assertion criteria provided. Criteria: research. Collection method: research. Allele origin: unknown. Affected: yes. Not counted in ClinVar's aggregate classification.

Literature cited by the submitters: PubMed 20711175 (cited by 3billion and Labcorp Genetics (formerly Invitae), Labcorp); PubMed 22126750 (cited by Labcorp Genetics (formerly Invitae), Labcorp); PubMed 25972376 (cited by Labcorp Genetics (formerly Invitae), Labcorp and Shaikh Laboratory, University of Colorado).